The following is an entry in ClinVar:

NM_007194.4(CHEK2):c.1490A>T (p.Asp497Val)

Gene: CHEK2 (checkpoint kinase 2; minus strand). Cytogenetic location: 22q12.1.
Variant type: single nucleotide variant.
Coding change: c.1490A>T on transcript NM_007194.4 (MANE Select); coding-DNA position 1490, A replaced by T.
Protein change: p.Asp497Val; replaces aspartic acid 497 with valine.
Molecular consequence: missense variant.
Genome position (GRCh38, 1-based): chr22:28,689,187, T>A on the plus strand (A>T on the coding strand, the complement: CHEK2 is on the minus strand). VCF-style: chr22-28689187-T-A. GRCh37 (hg19) VCF-style: chr22-29085175-T-A.
Other names: c.1619A>T, p.Asp540Val (NM_001005735.3); c.827A>T, p.Asp276Val (NM_001257387.3); c.1289A>T, p.Asp430Val (NM_001349956.3); c.1403A>T, p.Asp468Val (NM_145862.3); short protein forms D276V, D430V, D468V, D497V, D540V.
Identifiers: ClinVar variation 928741 (VCV000928741.13), dbSNP rs549945536, ClinGen allele CA411092492.

ClinVar aggregate classification (germline): Uncertain significance. Review status: criteria provided, multiple submitters, no conflicts (2 of 4 stars). 5 submissions from 5 submitters: Uncertain significance (5). Last evaluated 2025-08-28.

Conditions:
Hereditary cancer-predisposing syndrome. Also called: Neoplastic Syndromes, Hereditary; Hereditary Cancer Syndrome; Tumor predisposition; Hereditary neoplastic syndrome. Identifiers: Orphanet 140162, MedGen C0027672, MeSH D009386, MONDO:0015356.
Familial cancer of breast. Also called: Hereditary breast cancer; BREAST CANCER, FAMILIAL; hereditary breast carcinoma. Identifiers: Orphanet 227535, MedGen C0346153, MONDO:0016419, OMIM 114480. Disease mechanism: loss of function.

Submissions (5):

Labcorp Genetics (formerly Invitae), Labcorp
Classification: Uncertain significance for Familial cancer of breast. Last evaluated: 2025-08-28. Review status: criteria provided, single submitter. Criteria: Invitae Variant Classification Sherloc (09022015). Collection method: clinical testing. Allele origin: germline.
Comment: This sequence change replaces aspartic acid, which is acidic and polar, with valine, which is neutral and non-polar, at codon 497 of the CHEK2 protein (p.Asp497Val). This variant is not present in population databases (gnomAD no frequency). This variant has not been reported in the literature in individuals affected with CHEK2-related conditions. ClinVar contains an entry for this variant (Variation ID: 928741). An algorithm developed to predict the effect of missense changes on protein structure and function (PolyPhen-2) suggests that this variant is likely to be tolerated. In summary, the available evidence is currently insufficient to determine the role of this variant in disease. Therefore, it has been classified as a Variant of Uncertain Significance.

Ambry Genetics
Classification: Uncertain significance for Hereditary cancer-predisposing syndrome. Last evaluated: 2024-08-12. Review status: criteria provided, single submitter. Criteria: Ambry Variant Classification Scheme 2023. Collection method: clinical testing. Allele origin: germline.
Comment: The p.D497V variant (also known as c.1490A>T), located in coding exon 13 of the CHEK2 gene, results from an A to T substitution at nucleotide position 1490. The aspartic acid at codon 497 is replaced by valine, an amino acid with highly dissimilar properties. This amino acid position is conserved. In addition, this alteration is predicted to be tolerated by in silico analysis. Based on the available evidence, the clinical significance of this variant remains unclear.

Baylor Genetics
Classification: Uncertain significance for Familial cancer of breast. Last evaluated: 2023-12-19. Review status: criteria provided, single submitter. Criteria: ACMG Guidelines, 2015. Collection method: clinical testing. Allele origin: unknown.

GeneDx
Classification: Uncertain significance. Last evaluated: 2022-07-13. Review status: criteria provided, single submitter. Criteria: GeneDx Variant Classification Process June 2021. Collection method: clinical testing. Allele origin: germline. Affected: yes.
Comment: Not observed at significant frequency in large population cohorts (gnomAD); In silico analysis supports that this missense variant does not alter protein structure/function; Has not been previously published as pathogenic or benign to our knowledge; This variant is associated with the following publications: (PMID: 22419737, 19782031)

Women's Health and Genetics/Laboratory Corporation of America, LabCorp
Classification: Uncertain significance. Last evaluated: 2019-08-13. Review status: criteria provided, single submitter. Criteria: LabCorp Variant Classification Summary - May 2015. Collection method: clinical testing. Allele origin: germline.
Comment: Variant summary: CHEK2 c.1490A>T (p.Asp497Val) results in a non-conservative amino acid change located in the Protein kinase domain (IPR000719) of the encoded protein sequence. Four of five in-silico tools predict a benign effect of the variant on protein function. The variant was absent in 233612 control chromosomes (gnomAD). The available data on variant occurrences in the general population are insufficient to allow any conclusion about variant significance. To our knowledge, no occurrence of c.1490A>T in individuals affected with Hereditary Breast and Ovarian Cancer and no experimental evidence demonstrating its impact on protein function have been reported. No submitters have provided clinical-significance assessments for this variant to ClinVar after 2014. Based on the evidence outlined above, the variant was classified as uncertain significance.